The following is an entry in ClinVar:

NM_002691.4(POLD1):c.-4C>G

Gene: POLD1 (DNA polymerase delta 1, catalytic subunit; plus strand). Cytogenetic location: 19q13.33.
Variant type: single nucleotide variant.
Coding change: c.-4C>G on transcript NM_002691.4 (MANE Select); 4 bases upstream of the start codon, C replaced by G.
Molecular consequence: 5 prime UTR variant. On other transcripts: non-coding transcript variant (1).
Genome position (GRCh38, 1-based): chr19:50,384,388, C>G. VCF-style: chr19-50384388-C-G. GRCh37 (hg19) VCF-style: chr19-50887645-C-G.
Other names: c.-7C>G (NM_001256849.1, NM_001438210.1); c.-4C>G (NM_001438211.1); c.-149C>G (NM_001438212.1); c.-130C>G (NM_001438213.1).
Identifiers: ClinVar variation 4844403 (VCV004844403.1).

ClinVar aggregate classification (germline): Uncertain significance (1 of 4 stars; one submission).

Conditions:
Hereditary cancer-predisposing syndrome. Also called: Neoplastic Syndromes, Hereditary; Tumor predisposition; Hereditary Cancer Syndrome; Hereditary neoplastic syndrome. Identifiers: Orphanet 140162, MedGen C0027672, MeSH D009386, MONDO:0015356.

Submission:

Ambry Genetics
Classification: Uncertain significance for Hereditary cancer-predisposing syndrome. Last evaluated: 2026-03-04. Review status: criteria provided, single submitter. Criteria: Ambry Variant Classification Scheme 2023. Collection method: clinical testing. Allele origin: germline.
Comment: The c.-4C>G variant is located in the 5' untranslated region (5&rsquo; UTR) of the POLD1 gene. This variant results from a C to G substitution 4 nucleotides upstream from the first translated codon. This nucleotide position is well conserved in available vertebrate species. Based on the available evidence, the clinical significance of this variant remains unclear.